The following is an entry in ClinVar:

NM_006567.5(FARS2):c.1126T>C (p.Tyr376His)

Gene: FARS2 (phenylalanyl-tRNA synthetase 2, mitochondrial; plus strand). Cytogenetic location: 6p25.1.
Variant type: single nucleotide variant.
Coding change: c.1126T>C on transcript NM_006567.5 (MANE Select); coding-DNA position 1126, T replaced by C.
Protein change: p.Tyr376His; replaces tyrosine 376 with histidine.
Molecular consequence: missense variant.
Genome position (GRCh38, 1-based): chr6:5,613,229, T>C. VCF-style: chr6-5613229-T-C. GRCh37 (hg19) VCF-style: chr6-5613462-T-C.
Other names: c.1126T>C, p.Tyr376His (NM_001318872.2, NM_001374875.1, NM_001374876.1 and 4 more transcripts); c.994T>C, p.Tyr332His (NM_001375258.1); c.430T>C, p.Tyr144His (NM_001375259.1, NM_001375260.1); short protein forms Y376H, Y332H, Y144H.
Identifiers: ClinVar variation 2749541 (VCV002749541.3), dbSNP rs781207755, ClinGen allele CA3623891.

ClinVar aggregate classification (germline): Uncertain significance (1 of 4 stars; one submission).

Conditions:
Combined oxidative phosphorylation defect type 14. Also called: Combined oxidative phosphorylation deficiency 14. Identifiers: Orphanet 319519, MedGen C4755312, MONDO:0013986, OMIM 614946.

Allele frequency attached by ClinVar (database versions not stated): ExAC 0.00001.

Submission:

Labcorp Genetics (formerly Invitae), Labcorp
Classification: Uncertain significance for Combined oxidative phosphorylation defect type 14. Last evaluated: 2023-08-02. Review status: criteria provided, single submitter. Criteria: Invitae Variant Classification Sherloc (09022015). Collection method: clinical testing. Allele origin: germline.
Comment: In summary, the available evidence is currently insufficient to determine the role of this variant in disease. Therefore, it has been classified as a Variant of Uncertain Significance. Advanced modeling of protein sequence and biophysical properties (such as structural, functional, and spatial information, amino acid conservation, physicochemical variation, residue mobility, and thermodynamic stability) performed at Invitae indicates that this missense variant is expected to disrupt FARS2 protein function. This variant has not been reported in the literature in individuals affected with FARS2-related conditions. This variant is present in population databases (rs781207755, gnomAD 0.006%). This sequence change replaces tyrosine, which is neutral and polar, with histidine, which is basic and polar, at codon 376 of the FARS2 protein (p.Tyr376His).